The following is an entry in ClinVar:

ClinVar aggregate classification (germline): Uncertain significance (1 of 4 stars; one submission).

Conditions:
Cone-rod dystrophy 13 (CORD13). Identifiers: Orphanet 1872, MedGen C2750720, MONDO:0011987, OMIM 608194.
Leber congenital amaurosis 6 (LCA6). Identifiers: Orphanet 65, MedGen C1854260, MONDO:0013446, OMIM 613826.

Allele frequency attached by ClinVar (database versions not stated): gnomAD exomes below 0.00001; TOPMed below 0.00001.
gnomAD v4.1: 1 of 1,605,412 alleles (0.000062%); highest among the groups gnomAD compares: African/African-American, 0.0013%; no homozygotes.

Submission:

Labcorp Genetics (formerly Invitae), Labcorp
Classification: Uncertain significance for Leber congenital amaurosis 6; Cone-rod dystrophy 13. Last evaluated: 2022-02-24. Review status: criteria provided, single submitter. Criteria: Invitae Variant Classification Sherloc (09022015). Collection method: clinical testing. Allele origin: germline.
Comment: In summary, the available evidence is currently insufficient to determine the role of this variant in disease. Therefore, it has been classified as a Variant of Uncertain Significance. Algorithms developed to predict the effect of missense changes on protein structure and function (SIFT, PolyPhen-2, Align-GVGD) all suggest that this variant is likely to be disruptive. This variant has not been reported in the literature in individuals affected with RPGRIP1-related conditions. This variant is present in population databases (no rsID available, gnomAD 0.007%). This sequence change replaces proline, which is neutral and non-polar, with arginine, which is basic and polar, at codon 1253 of the RPGRIP1 protein (p.Pro1253Arg).

NM_020366.4(RPGRIP1):c.3758C>G (p.Pro1253Arg)

Gene: RPGRIP1 (RPGR interacting protein 1; plus strand). Cytogenetic location: 14q11.2.
Variant type: single nucleotide variant.
Coding change: c.3758C>G on transcript NM_020366.4 (MANE Select); coding-DNA position 3758, C replaced by G.
Protein change: p.Pro1253Arg; replaces proline 1253 with arginine.
Molecular consequence: missense variant.
Genome position (GRCh38, 1-based): chr14:21,351,113, C>G. VCF-style: chr14-21351113-C-G. GRCh37 (hg19) VCF-style: chr14-21819272-C-G.
Other names: c.1736C>G, p.Pro579Arg (NM_001377523.1, NM_001377950.1); c.2684C>G, p.Pro895Arg (NM_001377948.1); c.1844C>G, p.Pro615Arg (NM_001377949.1); c.1241C>G, p.Pro414Arg (NM_001377951.1); short protein forms P1253R, P414R, P579R, P615R, P895R.
Identifiers: ClinVar variation 1366387 (VCV001366387.8), dbSNP rs1168922642, ClinGen allele CA388858268.